The following is an entry in ClinVar:

ClinVar aggregate classification (germline): Benign. Review status: criteria provided, multiple submitters, no conflicts (2 of 4 stars). 2 submissions from 2 submitters: Benign (2). Last evaluated 2018-06-16.

Allele frequency attached by ClinVar (database versions not stated): 1000 Genomes Project 0.00659; 1000 Genomes Project 30x 0.00687; ExAC 0.00756; TOPMed 0.00835; gnomAD exomes 0.01027 and 0.01406; gnomAD 0.01164 and 0.01182.
gnomAD v4.1: 20,509 of 1,497,838 alleles (1.4%); highest among the groups gnomAD compares: Non-Finnish European, 1.5%; 220 homozygotes.

Submissions (2):

GeneDx
Classification: Benign. Last evaluated: 2018-06-16. Review status: criteria provided, single submitter. Criteria: GeneDx Variant Classification (06012015). Collection method: clinical testing. Allele origin: germline. Affected: yes.
Comment: This variant is considered likely benign or benign based on one or more of the following criteria: it is a conservative change, it occurs at a poorly conserved position in the protein, it is predicted to be benign by multiple in silico algorithms, and/or has population frequency not consistent with disease.

Breakthrough Genomics
Classification: Benign. Review status: criteria provided, single submitter. Criteria: ACMG Guidelines, 2015. Collection method: not provided. Allele origin: germline. Inheritance: Autosomal recessive inheritance. Affected: yes.

NM_001379210.1(SLC25A26):c.33+50T>C

Gene: SLC25A26 (solute carrier family 25 member 26; plus strand). Cytogenetic location: 3p14.1.
Variant type: single nucleotide variant.
Coding change: c.33+50T>C on transcript NM_001379210.1 (MANE Select); 50 bases into the intron after coding-DNA position 33, T replaced by C.
Molecular consequence: intron variant.
Genome position (GRCh38, 1-based): chr3:66,221,177, T>C. VCF-style: chr3-66221177-T-C. GRCh37 (hg19) VCF-style: chr3-66271603-T-C.
Other names: c.33+50T>C (NM_173471.4); c.-319+50T>C (NM_001350993.1); c.-75+50T>C (NM_001164796.1).
Identifiers: ClinVar variation 673805 (VCV000673805.2), dbSNP rs138215846, ClinGen allele CA2483590.
Genomic context (GRCh38, chr3:66,221,177, plus strand): 5'-CAGCGCTGGTGGTGAGTGCGGGGCGGTGGGGTGGGTTGCTCAGAGTGCCGGCGTCCGGCA[T>C]TGGAGCCCGCGGGCGTTCTCTGCACTGGTTTTCTTCCGGTTTTGCGGGCTGGACTGTCCT-3'